The following is an entry in ClinVar:

NM_178857.6(RP1L1):c.4362del (p.Ser1455fs)

Gene: RP1L1 (RP1 like 1). Cytogenetic location: 8p23.1.
Variant type: Deletion.
Coding change: c.4362del on transcript NM_178857.6 (MANE Select); coding-DNA position 4362, one base deleted.
Protein change: p.Ser1455fs; shifts the reading frame from serine 1455.
Molecular consequence: frameshift variant.
Genome position: GRCh38 VCF-style: chr8-10609735-TA-T. GRCh37 (hg19) VCF-style: chr8-10467245-TA-T.
Other names: c.4362delT (NM_178857.5); short protein forms S1455fs.
Identifiers: ClinVar variation 4899074 (VCV004899074.2).

ClinVar aggregate classification (germline): Likely pathogenic. Review status: criteria provided, multiple submitters, no conflicts (2 of 4 stars). 2 submissions from 2 submitters: Likely pathogenic (2). Last evaluated 2025-06-25.

Conditions:
RP1L1-related disorder. Also called: RP1L1-related condition.

Submissions (2):

PreventionGenetics, part of Exact Sciences
Classification: Likely pathogenic for RP1L1-related condition. Last evaluated: 2025-06-25. Review status: criteria provided, single submitter. Criteria: ACMG Guidelines, 2015. Collection method: clinical testing. Allele origin: germline.
Comment: The RP1L1 c.4362delT variant is predicted to result in a frameshift and premature protein termination (p.Ser1455Valfs*31). To our knowledge, this variant has not been reported in the literature. This variant is reported in 0.0089% of alleles in individuals of European (Non-Finnish) descent in gnomAD. Frameshift variants in RP1L1 are expected to be pathogenic for autosomal recessive disease. This variant is interpreted as likely pathogenic for autosomal recessive RP1L1-associated disease.

Blueprint Genetics
Classification: Likely pathogenic for RP1L1-related disorders. Last evaluated: 2024-03-18. Review status: criteria provided, single submitter. Criteria: ACMG Guidelines, 2015. Collection method: clinical testing. Allele origin: germline. Affected: yes. Observed: 4 variant alleles.